The following is an entry in ClinVar:

NM_000038.6(APC):c.135+3678T>G

Gene: APC (APC regulator of WNT signaling pathway; plus strand). Cytogenetic location: 5q22.2.
Variant type: single nucleotide variant.
Coding change: c.135+3678T>G on transcript NM_000038.6 (MANE Select); 3678 bases into the intron after coding-DNA position 135, T replaced by G.
Molecular consequence: intron variant.
Genome position (GRCh38, 1-based): chr5:112,758,703, T>G. VCF-style: chr5-112758703-T-G. GRCh37 (hg19) VCF-style: chr5-112094400-T-G.
Other names: c.135+3678T>G (NM_001354895.2, NM_001127510.3, NM_001354896.2 and 2 more transcripts); c.166-7623T>G (NM_001354897.2, NM_001354902.2, NM_001127511.3); c.61-7623T>G (NM_001354898.2, NM_001354904.2); c.-901+3678T>G (NM_001354906.2); c.-42-7623T>G (NM_001354900.2, NM_001354901.2, NM_001354905.2).
Identifiers: ClinVar variation 82370 (VCV000082370.2), dbSNP rs80009531, ClinGen allele CA004338.

ClinVar aggregate classification (germline): other (0 of 4 stars; one submission).

Conditions:
Familial colorectal cancer. Identifiers: MedGen CN280943, MONDO:0023113. Disease mechanism: loss of function.

Submission:

Systems Biology Platform Zhejiang California International NanoSystems Institute
Classification: other for Familial colorectal cancer. Review status: no assertion criteria provided. Collection method: not provided. Allele origin: unknown.
ClinVar note: Converted during submission from cancer to other.